The following is an entry in ClinVar:

NM_000397.4(CYBB):c.482A>G (p.Lys161Arg)

Gene: CYBB (cytochrome b-245 beta chain; plus strand). Cytogenetic location: Xp21.1.
Variant type: single nucleotide variant.
Coding change: c.482A>G on transcript NM_000397.4 (MANE Select); coding-DNA position 482, A replaced by G.
Protein change: p.Lys161Arg; replaces lysine 161 with arginine.
Molecular consequence: missense variant.
Genome position (GRCh38, 1-based): chrX:37,793,809, A>G. VCF-style: chrX-37793809-A-G. GRCh37 (hg19) VCF-style: chrX-37653062-A-G.
Other names: short protein forms K161R.
Identifiers: ClinVar variation 4710714 (VCV004710714.1).

ClinVar aggregate classification (germline): Uncertain significance (1 of 4 stars; one submission).

Conditions:
Granulomatous disease, chronic, X-linked. Also called: GRANULOMATOUS DISEASE, CHRONIC, X-LINKED, SOMATIC MOSAIC; CYTOCHROME b-NEGATIVE GRANULOMATOUS DISEASE, CHRONIC, X-LINKED. Identifiers: Orphanet 379, MedGen C1844376, MONDO:0010600, OMIM 306400.

Submission:

Labcorp Genetics (formerly Invitae), Labcorp
Classification: Uncertain significance for Granulomatous disease, chronic, X-linked. Last evaluated: 2025-09-30. Review status: criteria provided, single submitter. Criteria: Invitae Variant Classification Sherloc (09022015). Collection method: clinical testing. Allele origin: germline.
Comment: This sequence change replaces lysine, which is basic and polar, with arginine, which is basic and polar, at codon 161 of the CYBB protein (p.Lys161Arg). This variant is not present in population databases (gnomAD no frequency). This missense change has been observed in individuals with X-linked chronic granulomatous disease (PMID: 9585602; internal data). This variant is also known as c.494A>G. An algorithm developed to predict the effect of missense changes on protein structure and function (PolyPhen-2) suggests that this variant is likely to be tolerated. Algorithms developed to predict the effect of sequence changes on RNA splicing suggest that this variant may disrupt the consensus splice site. In summary, the available evidence is currently insufficient to determine the role of this variant in disease. Therefore, it has been classified as a Variant of Uncertain Significance.

Literature cited by the submitters: PubMed 9585602.